The following is an entry in ClinVar:

NM_006231.4(POLE):c.3964A>G (p.Thr1322Ala)

Gene: POLE (DNA polymerase epsilon, catalytic subunit; minus strand). Cytogenetic location: 12q24.33.
Variant type: single nucleotide variant.
Coding change: c.3964A>G on transcript NM_006231.4 (MANE Select); coding-DNA position 3964, A replaced by G.
Protein change: p.Thr1322Ala; replaces threonine 1322 with alanine.
Molecular consequence: missense variant.
Genome position (GRCh38, 1-based): chr12:132,649,347, T>C on the plus strand (A>G on the coding strand, the complement: POLE is on the minus strand). VCF-style: chr12-132649347-T-C. GRCh37 (hg19) VCF-style: chr12-133225933-T-C.
Other names: short protein forms T1322A.
Identifiers: ClinVar variation 3652622 (VCV003652622.2).

ClinVar aggregate classification (germline): Uncertain significance (1 of 4 stars; one submission).

Submission:

Labcorp Genetics (formerly Invitae), Labcorp
Classification: Uncertain significance. Last evaluated: 2024-05-08. Review status: criteria provided, single submitter. Criteria: Invitae Variant Classification Sherloc (09022015). Collection method: clinical testing. Allele origin: germline.
Comment: This sequence change replaces threonine, which is neutral and polar, with alanine, which is neutral and non-polar, at codon 1322 of the POLE protein (p.Thr1322Ala). This variant is not present in population databases (gnomAD no frequency). This variant has not been reported in the literature in individuals affected with POLE-related conditions. Advanced modeling of protein sequence and biophysical properties (such as structural, functional, and spatial information, amino acid conservation, physicochemical variation, residue mobility, and thermodynamic stability) performed at Invitae indicates that this missense variant is not expected to disrupt POLE protein function with a negative predictive value of 80%. In summary, the available evidence is currently insufficient to determine the role of this variant in disease. Therefore, it has been classified as a Variant of Uncertain Significance.